The following is an entry in ClinVar:

NM_001367916.1(MAGT1):c.983A>G (p.Tyr328Cys)

Gene: MAGT1 (magnesium transporter 1; minus strand). Cytogenetic location: Xq21.1.
Variant type: single nucleotide variant.
Coding change: c.983A>G on transcript NM_001367916.1 (MANE Select); coding-DNA position 983, A replaced by G.
Protein change: p.Tyr328Cys; replaces tyrosine 328 with cysteine.
Molecular consequence: missense variant.
Genome position (GRCh38, 1-based): chrX:77,830,814, T>C on the plus strand (A>G on the coding strand, the complement: MAGT1 is on the minus strand). VCF-style: chrX-77830814-T-C. GRCh37 (hg19) VCF-style: chrX-77086311-T-C.
Other names: c.1079A>G, p.Tyr360Cys (NM_032121.5); short protein forms Y328C, Y360C.
Identifiers: ClinVar variation 5018861 (VCV005018861.2).
Genomic context (GRCh38, chrX:77,830,814, plus strand): 5'-ATCATTCCAGGTATTGGTAATCACTGTATAAACAAAAAATAAGAATCATACCTGTATGGG[T>C]AGCCATGATATTTAGATCTAAAAATAGAGAGCATCCAACTGAAGAATAATACAACAAGTC-3'
Protein context (NP_001354845.1, residues 318-335): LSIFRSKYHG[Tyr328Cys]PYSFLMS

ClinVar aggregate classification (germline): Uncertain significance (1 of 4 stars; one submission).

Conditions:
X-linked immunodeficiency with magnesium defect, Epstein-Barr virus infection and neoplasia. Identifiers: Orphanet 317476, MedGen C3275445, MONDO:0010455, OMIM 300853.
Congenital disorder of glycosylation, type ICC. Identifiers: MedGen C5231393, MONDO:0026729, OMIM 301031.

Submission:

Juno Genomics, Hangzhou Juno Genomics, Inc
Classification: Uncertain significance for Congenital disorder of glycosylation, type ICC; X-linked immunodeficiency with magnesium defect, Epstein-Barr virus infection and neoplasia. Review status: criteria provided, single submitter. Criteria: ACMG Guidelines, 2015. Collection method: clinical testing. Allele origin: germline.
Comment: Absent from controls (or at extremely low frequency if recessive) in Genome Aggregation Database.;Multiple lines of computational evidence support a deleterious effect on the gene or gene product.